The following is an entry in ClinVar:

NM_000836.4(GRIN2D):c.3854_3855del (p.Arg1285fs)

Gene: GRIN2D (glutamate ionotropic receptor NMDA type subunit 2D; plus strand). Cytogenetic location: 19q13.33.
Variant type: Microsatellite.
Coding change: c.3854_3855del on transcript NM_000836.4 (MANE Select); coding-DNA positions 3854 to 3855, 2 bases deleted (GC; older notation c.3854_3855delGC).
Protein change: p.Arg1285fs; shifts the reading frame from arginine 1285.
Molecular consequence: frameshift variant.
Genome position (GRCh38, 1-based): chr19:48,443,780-48,443,781, GC deleted; deleting any 2 consecutive bases within chr19:48,443,776-48,443,781 gives the same sequence; the c. name uses the placement nearest the transcript's 3' end. VCF-style (leftmost placement, unchanged base first): chr19-48443775-TGC-T. GRCh37 (hg19) VCF-style: chr19-48947032-TGC-T.
Other names: short protein forms R1285fs.
Identifiers: ClinVar variation 3255160 (VCV003255160.1), dbSNP rs2513694236.

ClinVar aggregate classification (germline): Uncertain significance (1 of 4 stars; one submission).

Conditions:
Developmental and epileptic encephalopathy, 46 (DEE46). Also called: Epileptic encephalopathy, early infantile, 46; GRIN2D-Related Developmental and Epileptic Encephalopathy. Identifiers: MedGen C4310687, MONDO:0014947, OMIM 617162.

Submission:

Victorian Clinical Genetics Services, Murdoch Childrens Research Institute
Classification: Uncertain significance for Developmental and epileptic encephalopathy, 46. Last evaluated: 2023-12-21. Review status: criteria provided, single submitter. Criteria: ACMG Guidelines, 2015. Collection method: clinical testing. Allele origin: germline. Inheritance: Autosomal dominant inheritance. Affected: yes.
Comment: Based on the classification scheme VCGS_Germline_v1.3.4, this variant is classified as VUS-3B Following criteria are met: 0103 - Loss of function and gain of function are known mechanisms of disease in this gene and are associated with developmental and epileptic encephalopathy 46 (MIM#617162) (GeneReviews, PMID: 31918992, 31504254, 27616483, 33043365). (I) 0107 - This gene is associated with autosomal dominant disease. (I) 0205 - Variant is predicted to result in a truncated protein (premature termination codon is NOT located at least 54 nucleotides upstream of the final exon-exon junction) with less than 1/3 of the protein sequence affected. (SP) 0251 - This variant is heterozygous. (I) 0301 - Variant is absent from gnomAD (both v2 and v3). (SP) 0604 - Variant is not located in an established domain, motif, hotspot or informative constraint region. (I) 0705 - No comparable truncating variants have previous evidence for pathogenicity. (I) 0807 - This variant has no previous evidence of pathogenicity. (I) 0905 - No published segregation evidence has been identified for this variant. (I) 1007 - No published functional evidence has been identified for this variant. (SP) Legend: (SP) - Supporting pathogenic, (I) - Information, (SB) - Supporting benign

Literature cited by the submitters: PubMed 27616483; PubMed 31504254; PubMed 31918992; PubMed 33043365.